The following is an entry in ClinVar:

NM_138459.5(NUS1):c.427del (p.Arg143fs)

Gene: NUS1 (NUS1 dehydrodolichyl diphosphate synthase subunit; plus strand). Cytogenetic location: 6q22.1.
Variant type: Deletion.
Coding change: c.427del on transcript NM_138459.5 (MANE Select); coding-DNA position 427, one base deleted (A; older notation c.427delA).
Protein change: p.Arg143fs; shifts the reading frame from arginine 143.
Molecular consequence: frameshift variant.
Genome position (GRCh38, 1-based): chr6:117,693,053, A deleted; the last of 4 consecutive A bases (chr6:117,693,050-117,693,053); deleting any one gives the same sequence. VCF-style (leftmost placement, unchanged base first): chr6-117693049-CA-C. GRCh37 (hg19) VCF-style: chr6-118014212-CA-C.
Other names: short protein forms R143fs.
Identifiers: ClinVar variation 3656390 (VCV003656390.2).

ClinVar aggregate classification (germline): Pathogenic (1 of 4 stars; one submission).

Conditions:
Congenital disorder of glycosylation, type Iaa. Also called: Congenital disorder of glycosylation, type 1aa. Identifiers: MedGen C4310727, MONDO:0014904, OMIM 617082.

Submission:

Labcorp Genetics (formerly Invitae), Labcorp
Classification: Pathogenic for Congenital disorder of glycosylation, type Iaa. Last evaluated: 2024-06-12. Review status: criteria provided, single submitter. Criteria: Invitae Variant Classification Sherloc (09022015). Collection method: clinical testing. Allele origin: germline.
Comment: This sequence change creates a premature translational stop signal (p.Arg143Glufs*6) in the NUS1 gene. It is expected to result in an absent or disrupted protein product. Loss-of-function variants in NUS1 are known to be pathogenic (PMID: 29100083). This variant is not present in population databases (gnomAD no frequency). This variant has not been reported in the literature in individuals affected with NUS1-related conditions. For these reasons, this variant has been classified as Pathogenic.

Literature cited by the submitters: PubMed 29100083.